The following is an entry in ClinVar:

NM_025136.4(OPA3):c.322_339del (p.Gln108_Glu113del)

Genes: OPA3 (outer mitochondrial membrane lipid metabolism regulator OPA3; minus strand), OPA3-RTN2 (OPA3-RTN2 readthrough; minus strand). Cytogenetic location: 19q13.32.
Variant type: Deletion.
Coding change: c.322_339del on transcript NM_025136.4 (MANE Select); coding-DNA positions 322 to 339, 18 bases deleted (CAGCGCCACAAGGAGGAG).
Protein change: p.Gln108_Glu113del.
Molecular consequence: inframe deletion. On other transcripts: intron variant (1).
Genome position (GRCh38, 1-based): chr19:45,553,715-45,553,732, CTCCTCCTTGTGGCGCTG deleted on the plus strand (CAGCGCCACAAGGAGGAG on the coding strand, the reverse complement: OPA3 is on the minus strand); deleting any 18 consecutive bases within chr19:45,553,715-45,553,734 gives the same sequence; the c. name uses the placement nearest the transcript's 3' end. VCF-style (leftmost placement, unchanged base first): chr19-45553714-CCTCCTCCTTGTGGCGCTG-C. GRCh37 (hg19) VCF-style: chr19-46056972-CCTCCTCCTTGTGGCGCTG-C.
Other names: 320_337del; c.143-24276_143-24259del (NM_001017989.3).
Identifiers: ClinVar variation 4242 (VCV000004242.4), dbSNP rs80356526, ClinGen allele CA340208.
Genomic context (GRCh38, chr19:45,553,714, plus strand): 5'-CCAGCGCCAGCGCCAGGTGGCCCACCTCGTCCCGCAGCGCGTTCCAGGCAGCACGCTGCT[CCTCCTCCTTGTGGCGCTG>C]CTGCGCCTGGTGGCGCCAGTACTCCAGCACTAGGCAGCCGCCGCCCACGATGAAGATGGT-3'

ClinVar aggregate classification (germline): Pathogenic. Review status: no assertion criteria provided (0 of 4 stars). 2 submissions from 2 submitters: Pathogenic (1). 1 of the submissions does not count toward it. Last evaluated 2002-07-01.

Conditions:
3-Methylglutaconic aciduria type 3 (MGCA3). Also called: Costeff Syndrome; OPA3-Related 3-Methylglutaconic Aciduria; OPA3, AUTOSOMAL RECESSIVE; OPTIC ATROPHY 3, AUTOSOMAL RECESSIVE. Identifiers: Orphanet 67047, MedGen C0574084, MONDO:0009787, OMIM 258501.

Submissions (2):

OMIM
Classification: Pathogenic for 3-METHYLGLUTACONIC ACIDURIA, TYPE III. Last evaluated: 2002-07-01. Review status: no assertion criteria provided. Collection method: literature only. Allele origin: germline.

GeneReviews
No classification provided. Condition: 3-Methylglutaconic aciduria type 3. Review status: no classification provided. Collection method: literature only. Allele origin: germline. Not counted in ClinVar's aggregate classification.

Literature cited by the submitters: PubMed 12126933 (cited by OMIM); NCBI Bookshelf NBK1473 (cited by GeneReviews); NCBI Bookshelf NBK12126933 (cited by GeneReviews).